The following is an entry in ClinVar:

NM_001127222.2(CACNA1A):c.3124C>A (p.Pro1042Thr)

Gene: CACNA1A (calcium voltage-gated channel subunit alpha1 A; minus strand). Cytogenetic location: 19p13.13.
Variant type: single nucleotide variant.
Coding change: c.3124C>A on transcript NM_001127222.2 (MANE Select); coding-DNA position 3124, C replaced by A.
Protein change: p.Pro1042Thr; replaces proline 1042 with threonine.
Molecular consequence: missense variant.
Genome position (GRCh38, 1-based): chr19:13,286,932, G>T on the plus strand (C>A on the coding strand, the complement: CACNA1A is on the minus strand). VCF-style: chr19-13286932-G-T. GRCh37 (hg19) VCF-style: chr19-13397746-G-T.
Other names: c.3136C>A, p.Pro1046Thr (NM_000068.4, NM_023035.3); c.3127C>A, p.Pro1043Thr (NM_001127221.2, NM_001174080.2); short protein forms P1043T, P1042T, P1046T.
Identifiers: ClinVar variation 852837 (VCV000852837.11), dbSNP rs2057414935, ClinGen allele CA404342016.
Genomic context (GRCh38, chr19:13,286,932, plus strand): 5'-CCAGGGGTGGGTCTTGGCGGCCCAGGTCCTGCTGGATTGGCCGGGTGGTTGACAGGTTGG[G>T]GCCCGACACAGGGACCCCGGAGCCCTGGTTCTCTCTGAGGAAGGCAAGTGAATGAAAAAG-3'
Protein context (NP_001120694.1, residues 1032-1052): NQGSGVPVSG[Pro1042Thr]NLSTTRPIQQ

ClinVar aggregate classification (germline): Uncertain significance. Review status: criteria provided, multiple submitters, no conflicts (2 of 4 stars). 2 submissions from 2 submitters: Uncertain significance (2). Last evaluated 2026-03-11.

Conditions:
Episodic ataxia type 2 (EA2). Also called: ACETAZOLAMIDE-RESPONSIVE HEREDITARY PAROXYSMAL CEREBELLAR ATAXIA; ATAXIA, EPISODIC, WITH NYSTAGMUS; ATAXIA, FAMILIAL PAROXYSMAL; CEREBELLAR ATAXIA, PAROXYSMAL, ACETAZOLAMIDE-RESPONSIVE; CEREBELLOPATHY, HEREDITARY PAROXYSMAL; EPISODIC ATAXIA, NYSTAGMUS-ASSOCIATED. Identifiers: Orphanet 97, MedGen C1720416, MONDO:0007163, OMIM 108500.
Developmental and epileptic encephalopathy, 42 (DEE42A). Also called: DEVELOPMENTAL AND EPILEPTIC ENCEPHALOPATHY 42A; EPILEPTIC ENCEPHALOPATHY, EARLY INFANTILE, 42A; Epileptic encephalopathy, early infantile, 42. Identifiers: MedGen C4310716, MONDO:0014917, OMIM 617106.

Submissions (2):

GeneDx
Classification: Uncertain significance. Last evaluated: 2026-03-11. Review status: criteria provided, single submitter. Criteria: GeneDx Variant Classification Process June 2021. Collection method: clinical testing. Allele origin: germline.
Comment: Not observed at significant frequency in large population cohorts (gnomAD); In silico analysis supports that this missense variant has a deleterious effect on protein structure/function; Has not been previously published as pathogenic or benign to our knowledge

Labcorp Genetics (formerly Invitae), Labcorp
Classification: Uncertain significance for Developmental and epileptic encephalopathy, 42; Episodic ataxia type 2. Last evaluated: 2019-07-01. Review status: criteria provided, single submitter. Criteria: Invitae Variant Classification Sherloc (09022015). Collection method: clinical testing. Allele origin: germline.
Comment: This variant has not been reported in the literature in individuals with CACNA1A-related conditions. This variant is not present in population databases (ExAC no frequency). This sequence change replaces proline with threonine at codon 1043 of the CACNA1A protein (p.Pro1043Thr). The proline residue is moderately conserved and there is a small physicochemical difference between proline and threonine. Algorithms developed to predict the effect of missense changes on protein structure and function are either unavailable or do not agree on the potential impact of this missense change (SIFT: "Deleterious"; PolyPhen-2: "Possibly Damaging"; Align-GVGD: "Class C0"). In summary, the available evidence is currently insufficient to determine the role of this variant in disease. Therefore, it has been classified as a Variant of Uncertain Significance.